The following is an entry in ClinVar:

NM_182915.3(STEAP3):c.1210G>A (p.Val404Ile)

Gene: STEAP3 (STEAP3 metalloreductase; plus strand). Cytogenetic location: 2q14.2.
Variant type: single nucleotide variant.
Coding change: c.1210G>A on transcript NM_182915.3 (MANE Select); coding-DNA position 1210, G replaced by A.
Protein change: p.Val404Ile; replaces valine 404 with isoleucine.
Molecular consequence: missense variant.
Genome position (GRCh38, 1-based): chr2:119,254,843, G>A. VCF-style: chr2-119254843-G-A. GRCh37 (hg19) VCF-style: chr2-120012419-G-A.
Other names: c.1180G>A, p.Val394Ile (NM_001008410.2, NM_018234.3, NM_138637.3); short protein forms V404I, V394I.
Identifiers: ClinVar variation 2072054 (VCV002072054.5), dbSNP rs140739840, ClinGen allele CA1846830.

ClinVar aggregate classification (germline): Conflicting classifications of pathogenicity. Review status: criteria provided, conflicting classifications (1 of 4 stars). 2 submissions from 2 submitters: Uncertain significance (1); Likely benign (1). Last evaluated 2026-08-01.

Allele frequency attached by ClinVar (database versions not stated): 1000 Genomes Project 0.00060; ESP Exome Variant Server 0.00008; TOPMed 0.00010; gnomAD 0.00017; ExAC 0.00037; 1000 Genomes Project 30x 0.00047.
gnomAD v4.1: 380 of 1,613,896 alleles (0.024%); highest among the groups gnomAD compares: South Asian, 0.14%; 3 homozygotes.

Submissions (2):

CeGaT Center for Human Genetics Tuebingen
Classification: Likely benign. Last evaluated: 2026-08-01. Review status: criteria provided, single submitter. Criteria: CeGaT Center For Human Genetics Tuebingen Variant Classification Criteria Version 2. Collection method: clinical testing. Allele origin: germline. Affected: yes. Observed: 1 variant allele.
Comment: STEAP3: BP4

Labcorp Genetics (formerly Invitae), Labcorp
Classification: Uncertain significance. Last evaluated: 2021-12-27. Review status: criteria provided, single submitter. Criteria: Invitae Variant Classification Sherloc (09022015). Collection method: clinical testing. Allele origin: germline.
Comment: In summary, the available evidence is currently insufficient to determine the role of this variant in disease. Therefore, it has been classified as a Variant of Uncertain Significance. Algorithms developed to predict the effect of missense changes on protein structure and function (SIFT, PolyPhen-2, Align-GVGD) all suggest that this variant is likely to be tolerated. This sequence change replaces valine, which is neutral and non-polar, with isoleucine, which is neutral and non-polar, at codon 394 of the STEAP3 protein (p.Val394Ile). This variant is present in population databases (rs140739840, gnomAD 0.2%), and has an allele count higher than expected for a pathogenic variant. This variant has not been reported in the literature in individuals affected with STEAP3-related conditions.